The following is an entry in ClinVar:

NM_002439.5(MSH3):c.629A>G (p.His210Arg)

Gene: MSH3 (mutS homolog 3; plus strand). Cytogenetic location: 5q14.1.
Variant type: single nucleotide variant.
Coding change: c.629A>G on transcript NM_002439.5 (MANE Select); coding-DNA position 629, A replaced by G.
Protein change: p.His210Arg; replaces histidine 210 with arginine.
Molecular consequence: missense variant.
Genome position (GRCh38, 1-based): chr5:80,670,146, A>G. VCF-style: chr5-80670146-A-G. GRCh37 (hg19) VCF-style: chr5-79965965-A-G.
Other names: c.629A>G (NM_002439.3); short protein forms H210R.
Identifiers: ClinVar variation 1412715 (VCV001412715.7), dbSNP rs2112812190, ClinGen allele CA360266467.

ClinVar aggregate classification (germline): Conflicting classifications of pathogenicity. Review status: criteria provided, conflicting classifications (1 of 4 stars). 2 submissions from 2 submitters: Uncertain significance (1); Likely benign (1). Last evaluated 2026-04-30.

Conditions:
Hereditary cancer-predisposing syndrome. Also called: Tumor predisposition; Neoplastic Syndromes, Hereditary; Hereditary Cancer Syndrome; Hereditary neoplastic syndrome. Identifiers: Orphanet 140162, MedGen C0027672, MeSH D009386, MONDO:0015356.

gnomAD v4.1: 1 of 1,614,192 alleles (0.000062%); no homozygotes.

Submissions (2):

Ambry Genetics
Classification: Likely benign for Hereditary cancer-predisposing syndrome. Last evaluated: 2026-04-30. Review status: criteria provided, single submitter. Criteria: Ambry Variant Classification Scheme 2023. Collection method: clinical testing. Allele origin: germline.

Labcorp Genetics (formerly Invitae), Labcorp
Classification: Uncertain significance. Last evaluated: 2024-05-29. Review status: criteria provided, single submitter. Criteria: Invitae Variant Classification Sherloc (09022015). Collection method: clinical testing. Allele origin: germline.
Comment: This sequence change replaces histidine, which is basic and polar, with arginine, which is basic and polar, at codon 210 of the MSH3 protein (p.His210Arg). This variant is not present in population databases (gnomAD no frequency). This variant has not been reported in the literature in individuals affected with MSH3-related conditions. ClinVar contains an entry for this variant (Variation ID: 1412715). An algorithm developed to predict the effect of missense changes on protein structure and function (PolyPhen-2) suggests that this variant is likely to be tolerated. In summary, the available evidence is currently insufficient to determine the role of this variant in disease. Therefore, it has been classified as a Variant of Uncertain Significance.